The following is an entry in ClinVar:

NM_017950.4(CCDC40):c.2753_2754del (p.Lys918fs)

Gene: CCDC40 (coiled-coil domain 40 molecular ruler complex subunit; plus strand). Cytogenetic location: 17q25.3.
Variant type: Deletion.
Coding change: c.2753_2754del on transcript NM_017950.4 (MANE Select); coding-DNA positions 2753 to 2754, 2 bases deleted (AA; older notation c.2753_2754delAA).
Protein change: p.Lys918fs; shifts the reading frame from lysine 918.
Molecular consequence: frameshift variant.
Genome position (GRCh38, 1-based): chr17:80,089,805-80,089,806, AA deleted; deleting any 2 consecutive bases within chr17:80,089,803-80,089,806 gives the same sequence; the c. name uses the placement nearest the transcript's 3' end. VCF-style (leftmost placement, unchanged base first): chr17-80089802-CAA-C. GRCh37 (hg19) VCF-style: chr17-78063601-CAA-C.
Other names: c.2753_2754del, p.Lys918fs (NM_001243342.2); short protein forms K918fs.
Identifiers: ClinVar variation 1704368 (VCV001704368.4), dbSNP rs746285699, ClinGen allele CA8814333.
Genomic context (GRCh38, chr17:80,089,802, plus strand): 5'-ACTGCCTCTCCTACCTCTAAAGACACCAGATTATGCTTTGGGAGAAAAAAATCCAACTGG[CAA>C]AAGAGATGCGTTCCTCAGTGGATTCCGAGATCGGCCAGACGGAGATCCGGGCCATGAAGG-3'

ClinVar aggregate classification (germline): Pathogenic/Likely pathogenic. Review status: criteria provided, multiple submitters, no conflicts (2 of 4 stars). 2 submissions from 2 submitters: Pathogenic (1); Likely pathogenic (1). Last evaluated 2024-03-27.

Conditions:
Primary ciliary dyskinesia. Also called: Ciliary dyskinesia. Identifiers: Orphanet 244, MedGen C0008780, MONDO:0016575, HP:0012265.
Primary ciliary dyskinesia 15. Also called: CILIARY DYSKINESIA, PRIMARY, 15, WITH OR WITHOUT SITUS INVERSUS. Identifiers: Orphanet 244, MedGen C3151137, MONDO:0013435, OMIM 613808.

Submissions (2):

Labcorp Genetics (formerly Invitae), Labcorp
Classification: Pathogenic for Primary ciliary dyskinesia. Last evaluated: 2024-03-27. Review status: criteria provided, single submitter. Criteria: Invitae Variant Classification Sherloc (09022015). Collection method: clinical testing. Allele origin: germline.
Comment: This sequence change creates a premature translational stop signal (p.Lys918Argfs*79) in the CCDC40 gene. It is expected to result in an absent or disrupted protein product. Loss-of-function variants in CCDC40 are known to be pathogenic (PMID: 21131974, 22693285, 23255504). This variant is present in population databases (rs746285699, gnomAD 0.01%). This variant has not been reported in the literature in individuals affected with CCDC40-related conditions. ClinVar contains an entry for this variant (Variation ID: 1704368). For these reasons, this variant has been classified as Pathogenic.

Johns Hopkins Genomics, Johns Hopkins University
Classification: Likely pathogenic for Primary ciliary dyskinesia 15. Last evaluated: 2022-04-29. Review status: criteria provided, single submitter. Criteria: ACMG Guidelines, 2015. Collection method: clinical testing. Allele origin: germline.
Comment: This CCDC40 variant (rs746285699) is rare (<0.1%) in a large population dataset (gnomAD: 2/249566 total alleles; 0.0008%; no homozygotes) and has not been reported in ClinVar nor the literature, to our knowledge. This frameshift variant results in a premature stop codon in exon 18 likely leading to nonsense-mediated decay and lack of protein production. We consider this variant to be likely pathogenic.

Literature cited by the submitters: PubMed 21131974 (cited by Labcorp Genetics (formerly Invitae), Labcorp); PubMed 22693285 (cited by Labcorp Genetics (formerly Invitae), Labcorp); PubMed 23255504 (cited by Labcorp Genetics (formerly Invitae), Labcorp).